The following is an entry in ClinVar:

ClinVar aggregate classification (germline): Pathogenic (1 of 4 stars; one submission).

Conditions:
Spinocerebellar ataxia, autosomal recessive, with axonal neuropathy 2 (SCAN2). Also called: ATAXIA-OCULOMOTOR APRAXIA 2; Ataxia-ocular apraxia-2; Ataxia with Oculomotor Apraxia; Ataxia with Oculomotor Apraxia Type 2. Identifiers: Orphanet 64753, MedGen C1853761, MONDO:0018996, OMIM 606002.

Submission:

Women's Health and Genetics/Laboratory Corporation of America, LabCorp
Classification: Pathogenic for Spinocerebellar ataxia, autosomal recessive, with axonal neuropathy 2. Last evaluated: 2025-09-17. Review status: criteria provided, single submitter. Criteria: LabCorp Variant Classification Summary - May 2015. Collection method: clinical testing. Allele origin: germline.
Comment: Variant summary: The variant involves the deletion of exons 19-26 in the SETX gene. A presumed nomenclature of c.(6396+1_6397-1)_(*2884_?)del has been designated for the purposes of this classification. The exact breakpoint at the distal 3' end of this variant is unknown, therefore this deletion may extend downstream of the annotated region of the gene. As it encompasses the termination codon, it is predicted to escape nonsense mediated decay (NMD). The variant was absent in 21664 control chromosomes. To our knowledge, no occurrence of c.(6396+1_6397-1)_(*2884_?)del in individuals affected with SETX-related conditions and no experimental evidence demonstrating its impact on protein function have been reported. However, several variants within the deleted region have been reported in individuals with ataxia and have been classified as likely pathogenic/pathogenic in ClinVar, suggesting this region is important for SETX function. No submitters have cited clinical-significance assessments for this variant to ClinVar. Based on the evidence outlined above, the variant was classified as pathogenic for autosomal recessive spinocerebellar ataxia with axonal neuropathy 2.

NC_000009.11:g.(?_135136742)_(135158801_135161809)del

Gene: SETX (senataxin; minus strand). Cytogenetic location: 9q34.13.
Variant type: Deletion.
Identifiers: ClinVar variation 4536142 (VCV004536142.1).